The following is an entry in ClinVar:

ClinVar aggregate classification (germline): Likely benign (1 of 4 stars; one submission).

Allele frequency attached by ClinVar (database versions not stated): gnomAD exomes 0.00120; ExAC 0.00161; 1000 Genomes Project 0.00419; 1000 Genomes Project 30x 0.00468; gnomAD 0.00509 and 0.00547; TOPMed 0.00551.

Submission:

GeneDx
Classification: Likely benign. Last evaluated: 2018-06-16. Review status: criteria provided, single submitter. Criteria: GeneDx Variant Classification (06012015). Collection method: clinical testing. Allele origin: germline. Affected: yes.
Comment: This variant is considered likely benign or benign based on one or more of the following criteria: it is a conservative change, it occurs at a poorly conserved position in the protein, it is predicted to be benign by multiple in silico algorithms, and/or has population frequency not consistent with disease.

NM_001909.5(CTSD):c.69-64C>T

Genes: CTSD (cathepsin D; minus strand), PRADX (PRC2 and DDX5 associated lncRNA; plus strand). Cytogenetic location: 11p15.5.
Variant type: single nucleotide variant.
Coding change: c.69-64C>T on transcript NM_001909.5 (MANE Select); 64 bases into the intron before coding-DNA position 69, C replaced by T.
Molecular consequence: intron variant.
Genome position (GRCh38, 1-based): chr11:1,761,532, G>A on the plus strand (C>T on the coding strand, the complement: CTSD is on the minus strand). VCF-style: chr11-1761532-G-A. GRCh37 (hg19) VCF-style: chr11-1782762-G-A.
Identifiers: ClinVar variation 673756 (VCV000673756.1), dbSNP rs116662058, ClinGen allele CA5814324.